The following is an entry in ClinVar:

ClinVar aggregate classification (germline): Uncertain significance (1 of 4 stars; one submission).

Allele frequency attached by ClinVar (database versions not stated): gnomAD exomes below 0.00001; ExAC 0.00001; gnomAD 0.00001; TOPMed 0.00001.
gnomAD v4.1: 20 of 1,610,686 alleles (0.0012%); highest among the groups gnomAD compares: Non-Finnish European, 0.0015%; no homozygotes.

Submission:

Labcorp Genetics (formerly Invitae), Labcorp
Classification: Uncertain significance. Last evaluated: 2023-07-17. Review status: criteria provided, single submitter. Criteria: Invitae Variant Classification Sherloc (09022015). Collection method: clinical testing. Allele origin: germline.
Comment: In summary, the available evidence is currently insufficient to determine the role of this variant in disease. Therefore, it has been classified as a Variant of Uncertain Significance. Advanced modeling of protein sequence and biophysical properties (such as structural, functional, and spatial information, amino acid conservation, physicochemical variation, residue mobility, and thermodynamic stability) performed at Invitae indicates that this missense variant is expected to disrupt PLXNA2 protein function. ClinVar contains an entry for this variant (Variation ID: 1472687). This variant has not been reported in the literature in individuals affected with PLXNA2-related conditions. This variant is present in population databases (rs200900362, gnomAD 0.003%). This sequence change replaces serine, which is neutral and polar, with leucine, which is neutral and non-polar, at codon 1593 of the PLXNA2 protein (p.Ser1593Leu).

NM_025179.4(PLXNA2):c.4778C>T (p.Ser1593Leu)

Gene: PLXNA2 (plexin A2; minus strand). Cytogenetic location: 1q32.2.
Variant type: single nucleotide variant.
Coding change: c.4778C>T on transcript NM_025179.4 (MANE Select); coding-DNA position 4778, C replaced by T.
Protein change: p.Ser1593Leu; replaces serine 1593 with leucine.
Molecular consequence: missense variant.
Genome position (GRCh38, 1-based): chr1:208,034,579, G>A on the plus strand (C>T on the coding strand, the complement: PLXNA2 is on the minus strand). VCF-style: chr1-208034579-G-A. GRCh37 (hg19) VCF-style: chr1-208207924-G-A.
Other names: short protein forms S1593L.
Identifiers: ClinVar variation 1472687 (VCV001472687.8), dbSNP rs200900362, ClinGen allele CA1372761.